The following is an entry in ClinVar:

NM_004385.5(VCAN):c.2857G>A (p.Ala953Thr)

Gene: VCAN (versican; plus strand). Cytogenetic location: 5q14.3.
Variant type: single nucleotide variant.
Coding change: c.2857G>A on transcript NM_004385.5 (MANE Select); coding-DNA position 2857, G replaced by A.
Protein change: p.Ala953Thr; replaces alanine 953 with threonine.
Molecular consequence: missense variant. On other transcripts: intron variant (2).
Genome position (GRCh38, 1-based): chr5:83,521,163, G>A. VCF-style: chr5-83521163-G-A. GRCh37 (hg19) VCF-style: chr5-82816982-G-A.
Other names: c.2857G>A, p.Ala953Thr (NM_001164098.2); c.1042+8767G>A (NM_001164097.2, NM_001126336.3); short protein forms A953T.
Identifiers: ClinVar variation 1941781 (VCV001941781.5), dbSNP rs2479054393, ClinGen allele CA360304838.

ClinVar aggregate classification (germline): Uncertain significance (1 of 4 stars; one submission).

Submission:

Labcorp Genetics (formerly Invitae), Labcorp
Classification: Uncertain significance. Last evaluated: 2022-06-16. Review status: criteria provided, single submitter. Criteria: Invitae Variant Classification Sherloc (09022015). Collection method: clinical testing. Allele origin: germline.
Comment: In summary, the available evidence is currently insufficient to determine the role of this variant in disease. Therefore, it has been classified as a Variant of Uncertain Significance. Algorithms developed to predict the effect of missense changes on protein structure and function output the following: SIFT: "Tolerated"; PolyPhen-2: "Benign"; Align-GVGD: "Class C0". The threonine amino acid residue is found in multiple mammalian species, which suggests that this missense change does not adversely affect protein function. This variant has not been reported in the literature in individuals affected with VCAN-related conditions. This variant is not present in population databases (gnomAD no frequency). This sequence change replaces alanine, which is neutral and non-polar, with threonine, which is neutral and polar, at codon 953 of the VCAN protein (p.Ala953Thr).